The following is an entry in ClinVar:

ClinVar aggregate classification (germline): Benign (1 of 4 stars; one submission).

Conditions:
Early Myoclonic Encephalopathy. Identifiers: MedGen C0270855.

Allele frequency attached by ClinVar (database versions not stated): gnomAD 0.00732 and 0.00698; 1000 Genomes Project 0.00819; TOPMed 0.00747.

Submission:

Illumina Laboratory Services, Illumina
Classification: Benign for Developmental and epileptic encephalopathy, 3. Last evaluated: 2018-01-12. Review status: criteria provided, single submitter. Criteria: ICSL Variant Classification Criteria 13 December 2019. Collection method: clinical testing. Allele origin: germline.
Comment: This variant was observed in the ICSL laboratory as part of a predisposition screen in an ostensibly healthy population. It had not been previously curated by ICSL or reported in the Human Gene Mutation Database (HGMD: prior to June 1st, 2018), and was therefore a candidate for classification through an automated scoring system. Utilizing variant allele frequency, disease prevalence and penetrance estimates, and inheritance mode, an automated score was calculated to assess if this variant is too frequent to cause the disease. Based on the score and internal cut-off values, a variant classified as benign is not then subjected to further curation. The score for this variant resulted in a classification of benign for this disease.

NM_001191061.2(SLC25A22):c.*712T>C

Gene: SLC25A22 (solute carrier family 25 member 22; minus strand). Cytogenetic location: 11p15.5.
Variant type: single nucleotide variant.
Coding change: c.*712T>C on transcript NM_001191061.2 (MANE Select); 712 bases downstream of the stop codon, T replaced by C.
Molecular consequence: 3 prime UTR variant.
Genome position (GRCh38, 1-based): chr11:791,203, A>G on the plus strand (T>C on the coding strand, the complement: SLC25A22 is on the minus strand). VCF-style: chr11-791203-A-G. GRCh37 (hg19) VCF-style: chr11-791203-A-G.
Other names: c.*712T>C (NM_001191060.2, NM_024698.6).
Identifiers: ClinVar variation 306246 (VCV000306246.5), dbSNP rs114476401, ClinGen allele CA10635740.